The following is an entry in ClinVar:

NM_139057.4(ADAMTS17):c.1651G>A (p.Ala551Thr)

Gene: ADAMTS17 (ADAM metallopeptidase with thrombospondin type 1 motif 17; minus strand). Cytogenetic location: 15q26.3.
Variant type: single nucleotide variant.
Coding change: c.1651G>A on transcript NM_139057.4 (MANE Select); coding-DNA position 1651, G replaced by A.
Protein change: p.Ala551Thr; replaces alanine 551 with threonine.
Molecular consequence: missense variant.
Genome position (GRCh38, 1-based): chr15:100,132,077, C>T on the plus strand (G>A on the coding strand, the complement: ADAMTS17 is on the minus strand). VCF-style: chr15-100132077-C-T. GRCh37 (hg19) VCF-style: chr15-100672282-C-T.
Other names: p.Ala551Thr; short protein forms A551T.
Identifiers: ClinVar variation 718590 (VCV000718590.16), dbSNP rs61754841, ClinGen allele CA7758134.
Genomic context (GRCh38, chr15:100,132,077, plus strand): 5'-CACATTTCCTCTGCCTGAAGCGGGCTCCCGTCCCACATGTTCGGCTGCACATGCTCCAGG[C>T]GCCCCACGGGCTCCAGTCTCCGTCCACATGCTCCGGGATGGGCGTCTTGCTCACGCACTC-3'
Protein context (NP_620688.2, residues 541-561): HVDGDWSPWG[Ala551Thr]WSMCSRTCGT

ClinVar aggregate classification (germline): Benign. Review status: criteria provided, multiple submitters, no conflicts (2 of 4 stars). 6 submissions from 6 submitters: Benign (4). 2 of the submissions do not count toward it. Last evaluated 2026-02-01.

Conditions:
Weill-Marchesani 4 syndrome, recessive. Also called: Weill-Marchesani syndrome 4. Identifiers: Orphanet 363992, MedGen C2750787, MONDO:0013176, OMIM 613195.

Allele frequency attached by ClinVar (database versions not stated): ESP Exome Variant Server 0.00769; gnomAD 0.00791 and 0.00851; 1000 Genomes Project 0.00799; TOPMed 0.00872; 1000 Genomes Project 30x 0.00999.
gnomAD v4.1: 2,705 of 1,614,162 alleles (0.17%); highest among the groups gnomAD compares: African/African-American, 2.7%; 37 homozygotes.

Submissions (6):

Labcorp Genetics (formerly Invitae), Labcorp
Classification: Benign. Last evaluated: 2026-02-01. Review status: criteria provided, single submitter. Criteria: Invitae Variant Classification Sherloc (09022015). Collection method: clinical testing. Allele origin: germline.

Mayo Clinic Laboratories, Mayo Clinic
Classification: Benign. Last evaluated: 2023-03-16. Review status: criteria provided, single submitter. Criteria: ACMG Guidelines, 2015. Collection method: clinical testing. Allele origin: germline. Observed: 4 variant alleles.
Comment: BS1, BS2, BP4_strong

Illumina Laboratory Services, Illumina
Classification: Benign for Weill-Marchesani 4 syndrome, recessive. Last evaluated: 2018-01-12. Review status: criteria provided, single submitter. Criteria: ICSL Variant Classification Criteria 13 December 2019. Collection method: clinical testing. Allele origin: germline.
Comment: This variant was observed in the ICSL laboratory as part of a predisposition screen in an ostensibly healthy population. It had not been previously curated by ICSL or reported in the Human Gene Mutation Database (HGMD: prior to June 1st, 2018), and was therefore a candidate for classification through an automated scoring system. Utilizing variant allele frequency, disease prevalence and penetrance estimates, and inheritance mode, an automated score was calculated to assess if this variant is too frequent to cause the disease. Based on the score and internal cut-off values, a variant classified as benign is not then subjected to further curation. The score for this variant resulted in a classification of benign for this disease.

Breakthrough Genomics
Classification: Benign. Review status: criteria provided, single submitter. Criteria: ACMG Guidelines, 2015. Collection method: not provided. Allele origin: germline. Inheritance: Autosomal recessive inheritance. Affected: yes.

Genome Diagnostics Laboratory, Amsterdam University Medical Center
Classification: Benign. Review status: no assertion criteria provided. Collection method: clinical testing. Allele origin: germline. Affected: yes. Study: VKGL Data-share Consensus. Not counted in ClinVar's aggregate classification.

Laboratory of Diagnostic Genome Analysis, Leiden University Medical Center (LUMC)
Classification: Likely benign. Review status: no assertion criteria provided. Collection method: clinical testing. Allele origin: germline. Affected: yes. Study: VKGL Data-share Consensus. Not counted in ClinVar's aggregate classification.